The following is an entry in ClinVar:

NM_001018115.3(FANCD2):c.2012T>G (p.Val671Gly)

Genes: FANCD2 (FA complementation group D2; plus strand), LOC107303338 (3p25 FANCD2 Alu-mediated recombination region; plus strand). Cytogenetic location: 3p25.3.
Variant type: single nucleotide variant.
Coding change: c.2012T>G on transcript NM_001018115.3 (MANE Select); coding-DNA position 2012, T replaced by G.
Protein change: p.Val671Gly; replaces valine 671 with glycine.
Molecular consequence: missense variant.
Genome position (GRCh38, 1-based): chr3:10,064,420, T>G. VCF-style: chr3-10064420-T-G. GRCh37 (hg19) VCF-style: chr3-10106104-T-G.
Other names: c.2012T>G, p.Val671Gly (NM_001319984.2, NM_001374254.1, NM_033084.6); c.1901T>G, p.Val634Gly (NM_001374253.1); c.2012T>G (NM_033084.3); short protein forms V634G, V671G.
Identifiers: ClinVar variation 1439513 (VCV001439513.7), dbSNP rs373337896, ClinGen allele CA2249917.

ClinVar aggregate classification (germline): Uncertain significance. Review status: criteria provided, multiple submitters, no conflicts (2 of 4 stars). 3 submissions from 3 submitters: Uncertain significance (3). Last evaluated 2026-03-25.

Conditions:
Inborn genetic diseases. Identifiers: MedGen C0950123, MeSH D030342.
Fanconi anemia (FA). Also called: Fanconi's anemia. Identifiers: Orphanet 84, MedGen C0015625, MeSH D005199, MONDO:0019391.

Allele frequency attached by ClinVar (database versions not stated): gnomAD exomes 0.00001; gnomAD 0.00003; TOPMed 0.00003; ExAC 0.00002; ESP Exome Variant Server 0.00015.
gnomAD v4.1: 12 of 1,613,632 alleles (0.00074%); highest among the groups gnomAD compares: Non-Finnish European, 0.00093%; no homozygotes.

Submissions (3):

GeneDx
Classification: Uncertain significance. Last evaluated: 2026-03-25. Review status: criteria provided, single submitter. Criteria: GeneDx Variant Classification Process June 2021. Collection method: clinical testing. Allele origin: germline.
Comment: Not observed at significant frequency in large population cohorts (gnomAD); In silico analysis suggests that this missense variant does not alter protein structure/function; Has not been previously published as pathogenic or benign to our knowledge

Ambry Genetics
Classification: Uncertain significance for Inborn genetic diseases. Last evaluated: 2025-05-29. Review status: criteria provided, single submitter. Criteria: Ambry Variant Classification Scheme 2023. Collection method: clinical testing. Allele origin: germline.

Labcorp Genetics (formerly Invitae), Labcorp
Classification: Uncertain significance for Fanconi anemia. Last evaluated: 2021-08-30. Review status: criteria provided, single submitter. Criteria: Invitae Variant Classification Sherloc (09022015). Collection method: clinical testing. Allele origin: germline.
Comment: This sequence change replaces valine with glycine at codon 671 of the FANCD2 protein (p.Val671Gly). The valine residue is weakly conserved and there is a moderate physicochemical difference between valine and glycine. The frequency data for this variant in the population databases is considered unreliable, as metrics indicate poor data quality at this position in the ExAC database. This variant has not been reported in the literature in individuals affected with FANCD2-related conditions. Algorithms developed to predict the effect of missense changes on protein structure and function (SIFT, PolyPhen-2, Align-GVGD) all suggest that this variant is likely to be tolerated. In summary, the available evidence is currently insufficient to determine the role of this variant in disease. Therefore, it has been classified as a Variant of Uncertain Significance.